The following is an entry in ClinVar:

NM_024675.4(PALB2):c.1388T>G (p.Ile463Ser)

Gene: PALB2 (partner and localizer of BRCA2; minus strand). Cytogenetic location: 16p12.2.
Variant type: single nucleotide variant.
Coding change: c.1388T>G on transcript NM_024675.4 (MANE Select); coding-DNA position 1388, T replaced by G.
Protein change: p.Ile463Ser; replaces isoleucine 463 with serine.
Molecular consequence: missense variant.
Genome position (GRCh38, 1-based): chr16:23,635,158, A>C on the plus strand (T>G on the coding strand, the complement: PALB2 is on the minus strand). VCF-style: chr16-23635158-A-C. GRCh37 (hg19) VCF-style: chr16-23646479-A-C.
Other names: short protein forms I463S.
Identifiers: ClinVar variation 665101 (VCV000665101.9), dbSNP rs1597096230, ClinGen allele CA395131371.
Genomic context (GRCh38, chr16:23,635,158, plus strand): 5'-GAGAGAAGTTTCTGAGAGGTTCTTGAACTTGGTTGTCCTGTGCATGTGCCAGACATCCTA[A>C]TTTCACTTTGGTCAGTTTCCTCATTGGAAAGGTTTAAATTTTTACTTGCATCCTTATTTT-3'
Protein context (NP_078951.2, residues 453-473): LSNEETDQSE[Ile463Ser]RMSGTCTGQP

ClinVar aggregate classification (germline): Uncertain significance (1 of 4 stars; one submission).

Conditions:
Familial cancer of breast. Also called: BREAST CANCER, FAMILIAL; hereditary breast carcinoma; Hereditary breast cancer. Identifiers: Orphanet 227535, MedGen C0346153, MONDO:0016419, OMIM 114480. Disease mechanism: loss of function.

Submission:

Labcorp Genetics (formerly Invitae), Labcorp
Classification: Uncertain significance for Familial cancer of breast. Last evaluated: 2018-07-13. Review status: criteria provided, single submitter. Criteria: Invitae Variant Classification Sherloc (09022015). Collection method: clinical testing. Allele origin: germline.
Comment: In summary, the available evidence is currently insufficient to determine the role of this variant in disease. Therefore, it has been classified as a Variant of Uncertain Significance. Algorithms developed to predict the effect of sequence changes on RNA splicing suggest that this variant may create or strengthen a splice site, but this prediction has not been confirmed by published transcriptional studies. This sequence change replaces isoleucine with serine at codon 463 of the PALB2 protein (p.Ile463Ser). The isoleucine residue is weakly conserved and there is a large physicochemical difference between isoleucine and serine. This variant is not present in population databases (ExAC no frequency). This variant has not been reported in the literature in individuals with PALB2-related disease. Algorithms developed to predict the effect of missense changes on protein structure and function output the following: SIFT: "Tolerated"; PolyPhen-2: "Benign"; Align-GVGD: "Class C0". The serine amino acid residue is found in multiple mammalian species, suggesting that this missense change does not adversely affect protein function. These predictions have not been confirmed by published functional studies and their clinical significance is uncertain.